The following is an entry in ClinVar:

NM_001365999.1(SZT2):c.3833C>T (p.Ser1278Phe)

Gene: SZT2 (SZT2 subunit of KICSTOR complex; plus strand). Cytogenetic location: 1p34.2.
Variant type: single nucleotide variant.
Coding change: c.3833C>T on transcript NM_001365999.1 (MANE Select); coding-DNA position 3833, C replaced by T.
Protein change: p.Ser1278Phe; replaces serine 1278 with phenylalanine.
Molecular consequence: missense variant.
Genome position (GRCh38, 1-based): chr1:43,428,032, C>T. VCF-style: chr1-43428032-C-T. GRCh37 (hg19) VCF-style: chr1-43893703-C-T.
Other names: c.3662C>T, p.Ser1221Phe (NM_015284.4); short protein forms S1221F, S1278F.
Identifiers: ClinVar variation 1053409 (VCV001053409.6), dbSNP rs755346632, ClinGen allele CA809119.

ClinVar aggregate classification (germline): Uncertain significance (1 of 4 stars; one submission).

Allele frequency attached by ClinVar (database versions not stated): TOPMed 0.00001; gnomAD 0.00003; ExAC 0.00004.
gnomAD v4.1: 35 of 1,614,094 alleles (0.0022%); highest among the groups gnomAD compares: South Asian, 0.035%; no homozygotes.

Submission:

Labcorp Genetics (formerly Invitae), Labcorp
Classification: Uncertain significance. Last evaluated: 2024-04-23. Review status: criteria provided, single submitter. Criteria: Invitae Variant Classification Sherloc (09022015). Collection method: clinical testing. Allele origin: germline.
Comment: This sequence change replaces serine, which is neutral and polar, with phenylalanine, which is neutral and non-polar, at codon 1221 of the SZT2 protein (p.Ser1221Phe). This variant is present in population databases (rs755346632, gnomAD 0.02%). This variant has not been reported in the literature in individuals affected with SZT2-related conditions. ClinVar contains an entry for this variant (Variation ID: 1053409). Advanced modeling of protein sequence and biophysical properties (such as structural, functional, and spatial information, amino acid conservation, physicochemical variation, residue mobility, and thermodynamic stability) performed at Invitae indicates that this missense variant is not expected to disrupt SZT2 protein function with a negative predictive value of 80%. In summary, the available evidence is currently insufficient to determine the role of this variant in disease. Therefore, it has been classified as a Variant of Uncertain Significance.